The following is an entry in ClinVar:

NM_001083116.3(PRF1):c.523G>T (p.Glu175Ter)

Gene: PRF1 (perforin 1; minus strand). Cytogenetic location: 10q22.1.
Variant type: single nucleotide variant.
Coding change: c.523G>T on transcript NM_001083116.3 (MANE Select); coding-DNA position 523, G replaced by T.
Protein change: p.Glu175Ter; replaces glutamic acid 175 with a stop codon.
Molecular consequence: nonsense.
Genome position (GRCh38, 1-based): chr10:70,600,380, C>A on the plus strand (G>T on the coding strand, the complement: PRF1 is on the minus strand). VCF-style: chr10-70600380-C-A. GRCh37 (hg19) VCF-style: chr10-72360136-C-A.
Other names: c.523G>T, p.Glu175Ter (NM_005041.6); short protein forms E175*.
Identifiers: ClinVar variation 2678053 (VCV002678053.8), dbSNP rs2493486780, ClinGen allele CA376959236.
Genomic context (GRCh38, chr10:70,600,380, plus strand): 5'-TCCCGCGCCTTTTCCAGCCCCCCACCCCTAGCCCCAGCTCTCACCTGTAGAAGCGGCACT[C>A]CACCGTGTCAGTGCTGAAGCTGTACTGGTCCTGGTGGGTCTTCTGGGCTGCAAAGTTGGC-3'

ClinVar aggregate classification (germline): Pathogenic/Likely pathogenic. Review status: criteria provided, multiple submitters, no conflicts (2 of 4 stars). 2 submissions from 2 submitters: Pathogenic (1); Likely pathogenic (1). Last evaluated 2026-01-01.

Conditions:
Aplastic anemia. Identifiers: Orphanet 182040, Orphanet 88, MedGen C0002874, MONDO:0015909, OMIM 609135, HP:0001915.

Allele frequency attached by ClinVar (database versions not stated): gnomAD exomes below 0.00001.
gnomAD v4.1: 1 of 1,614,148 alleles (0.000062%); highest among the groups gnomAD compares: Non-Finnish European, 0.000085%; no homozygotes.

Submissions (2):

CeGaT Center for Human Genetics Tuebingen
Classification: Pathogenic. Last evaluated: 2026-01-01. Review status: criteria provided, single submitter. Criteria: CeGaT Center For Human Genetics Tuebingen Variant Classification Criteria Version 2. Collection method: clinical testing. Allele origin: germline. Affected: yes. Observed: 2 variant alleles.
Comment: PRF1: PVS1, PM2, PM3, PP4

Baylor Genetics
Classification: Likely pathogenic for Aplastic anemia. Last evaluated: 2023-07-20. Review status: criteria provided, single submitter. Criteria: ACMG Guidelines, 2015. Collection method: clinical testing. Allele origin: unknown.